The following is an entry in ClinVar:

ClinVar aggregate classification (germline): Uncertain significance (1 of 4 stars; one submission).

Conditions:
Fanconi anemia (FA). Also called: Fanconi's anemia. Identifiers: Orphanet 84, MedGen C0015625, MeSH D005199, MONDO:0019391.

Submission:

Labcorp Genetics (formerly Invitae), Labcorp
Classification: Uncertain significance for Fanconi anemia. Last evaluated: 2021-04-09. Review status: criteria provided, single submitter. Criteria: Invitae Variant Classification Sherloc (09022015). Collection method: clinical testing. Allele origin: germline.
Comment: This sequence change replaces threonine with isoleucine at codon 246 of the FANCL protein (p.Thr246Ile). The threonine residue is moderately conserved and there is a moderate physicochemical difference between threonine and isoleucine. This variant is not present in population databases (ExAC no frequency). In summary, the available evidence is currently insufficient to determine the role of this variant in disease. Therefore, it has been classified as a Variant of Uncertain Significance. Algorithms developed to predict the effect of missense changes on protein structure and function (SIFT, PolyPhen-2, Align-GVGD) all suggest that this variant is likely to be tolerated, but these predictions have not been confirmed by published functional studies and their clinical significance is uncertain. This variant has not been reported in the literature in individuals with FANCL-related conditions.

NM_018062.4(FANCL):c.737C>T (p.Thr246Ile)

Gene: FANCL (FA complementation group L; minus strand). Cytogenetic location: 2p16.1.
Variant type: single nucleotide variant.
Coding change: c.737C>T on transcript NM_018062.4 (MANE Select); coding-DNA position 737, C replaced by T.
Protein change: p.Thr246Ile; replaces threonine 246 with isoleucine.
Molecular consequence: missense variant.
Genome position (GRCh38, 1-based): chr2:58,163,472, G>A on the plus strand (C>T on the coding strand, the complement: FANCL is on the minus strand). VCF-style: chr2-58163472-G-A. GRCh37 (hg19) VCF-style: chr2-58390607-G-A.
Other names: c.752C>T, p.Thr251Ile (NM_001114636.2); c.782C>T, p.Thr261Ile (NM_001374615.1); c.797C>T, p.Thr266Ile (NM_001410792.1); short protein forms T246I, T251I, T261I, T266I.
Identifiers: ClinVar variation 1474080 (VCV001474080.8), dbSNP rs2104800049, ClinGen allele CA346935950.